The following is an entry in ClinVar:

ClinVar aggregate classification (germline): Uncertain significance. Review status: criteria provided, multiple submitters, no conflicts (2 of 4 stars). 2 submissions from 2 submitters: Uncertain significance (2). Last evaluated 2024-02-02.

Conditions:
Hereditary cancer-predisposing syndrome. Also called: Hereditary neoplastic syndrome; Tumor predisposition; Neoplastic Syndromes, Hereditary; Hereditary Cancer Syndrome. Identifiers: Orphanet 140162, MedGen C0027672, MeSH D009386, MONDO:0015356.

Submissions (2):

Ambry Genetics
Classification: Uncertain significance for Hereditary cancer-predisposing syndrome. Last evaluated: 2024-02-02. Review status: criteria provided, single submitter. Criteria: Ambry Variant Classification Scheme 2023. Collection method: clinical testing. Allele origin: germline.
Comment: The p.P31L variant (also known as c.92C>T), located in coding exon 1 of the CTNNA1 gene, results from a C to T substitution at nucleotide position 92. The proline at codon 31 is replaced by leucine, an amino acid with similar properties. This amino acid position is conserved. In addition, this alteration is predicted to be deleterious by in silico analysis. Based on the available evidence, the clinical significance of this alteration remains unclear.

Labcorp Genetics (formerly Invitae), Labcorp
Classification: Uncertain significance. Last evaluated: 2021-07-14. Review status: criteria provided, single submitter. Criteria: Invitae Variant Classification Sherloc (09022015). Collection method: clinical testing. Allele origin: germline.
Comment: This sequence change replaces proline with leucine at codon 31 of the CTNNA1 protein (p.Pro31Leu). The proline residue is highly conserved and there is a moderate physicochemical difference between proline and leucine. This variant is not present in population databases (ExAC no frequency). This variant has not been reported in the literature in individuals affected with CTNNA1-related conditions. Algorithms developed to predict the effect of missense changes on protein structure and function are either unavailable or do not agree on the potential impact of this missense change (SIFT: "Deleterious"; PolyPhen-2: "Probably Damaging"; Align-GVGD: "Class C0"). In summary, the available evidence is currently insufficient to determine the role of this variant in disease. Therefore, it has been classified as a Variant of Uncertain Significance.

NM_001903.5(CTNNA1):c.92C>T (p.Pro31Leu)

Gene: CTNNA1 (catenin alpha 1; plus strand). Cytogenetic location: 5q31.2.
Variant type: single nucleotide variant.
Coding change: c.92C>T on transcript NM_001903.5 (MANE Select); coding-DNA position 92, C replaced by T.
Protein change: p.Pro31Leu; replaces proline 31 with leucine.
Molecular consequence: missense variant. On other transcripts: 5 prime UTR variant (2).
Genome position (GRCh38, 1-based): chr5:138,782,016, C>T. VCF-style: chr5-138782016-C-T. GRCh37 (hg19) VCF-style: chr5-138117705-C-T.
Other names: c.92C>T (NM_001903.2); c.92C>T, p.Pro31Leu (NM_001290307.3, NM_001323982.2, NM_001323983.1 and 3 more transcripts); c.-22C>T (NM_001290309.3); c.-115C>T (NM_001290310.3); short protein forms P31L.
Identifiers: ClinVar variation 1505275 (VCV001505275.9), dbSNP rs2149652075, ClinGen allele CA361477221.